The following is an entry in ClinVar:

NM_018463.4(ITFG2):c.848-1G>A

Gene: ITFG2 (integrin alpha FG-GAP repeat containing 2; plus strand). Cytogenetic location: 12p13.33.
Variant type: single nucleotide variant.
Coding change: c.848-1G>A on transcript NM_018463.4 (MANE Select); the canonical splice acceptor site of the intron before coding-DNA position 848, G replaced by A.
Molecular consequence: splice acceptor variant.
Genome position (GRCh38, 1-based): chr12:2,821,691, G>A. VCF-style: chr12-2821691-G-A. GRCh37 (hg19) VCF-style: chr12-2930857-G-A.
Identifiers: ClinVar variation 3383984 (VCV003383984.1).

ClinVar aggregate classification (germline): Likely pathogenic (1 of 4 stars; one submission).

Conditions:
Neurodevelopmental disorder. Identifiers: MedGen C1535926, MeSH D065886, MONDO:0700092.

Submission:

Dubai Health Genomic Medicine Center, Dubai Health
Classification: Likely pathogenic for neurodevelopmental disorder. Last evaluated: 2024-10-04. Review status: criteria provided, single submitter. Criteria: ACMG Guidelines, 2015. Collection method: research. Allele origin: germline. Affected: yes.
Comment: PVS1,PM2